The following is an entry in ClinVar:

ClinVar aggregate classification (germline): Benign (1 of 4 stars; one submission).

Conditions:
MELAS syndrome (MELAS). Also called: Juvenile myopathy, encephalopathy, lactic acidosis, stroke. Identifiers: Orphanet 550, MedGen C0162671, MONDO:0010789, OMIM 540000.

Submission:

Wong Mito Lab, Molecular and Human Genetics, Baylor College of Medicine
Classification: Benign for MELAS syndrome. Last evaluated: 2019-07-12. Review status: criteria provided, single submitter. Criteria: Modified ACMG Guidelines (Unpublished). Collection method: clinical testing. Allele origin: germline.
Comment: The NC_012920.1:m.5528T>C variant in MT-TW gene is interpreted to be a Benign variant based on the modified ACMG guidelines (unpublished). This variant meets the following evidence codes reported in the guidelines: BS1, BS2, BP4

Literature cited by the submitters: PubMed 31965079.

NC_012920.1(MT-TW):m.5528T>C

Gene: MT-TW (mitochondrially encoded tRNA tryptophan; plus strand).
Variant type: single nucleotide variant.
Genome position: chrM-5528-T-C.
Identifiers: ClinVar variation 689927 (VCV000689927.1), dbSNP rs1556423004, ClinGen allele CA913179759.
Genomic context (GRCh38, chrMT:5,528, plus strand): 5'-CACGCTACTCCTACCTATCTCCCCTTTTATACTAATAATCTTATAGAAATTTAGGTTAAA[T>C]ACAGACCAAGAGCCTTCAAAGCCCTCAGTAAGTTGCAATACTTAATTTCTGTAACAGCTA-3'